The following is an entry in ClinVar:

NM_033360.4(KRAS):c.*44C>T

Gene: KRAS (KRAS proto-oncogene, GTPase; minus strand). Cytogenetic location: 12p12.1.
Variant type: single nucleotide variant.
Coding change: c.*44C>T on transcript NM_033360.4 (MANE Plus Clinical); 44 bases downstream of the stop codon, C replaced by T.
Molecular consequence: 3 prime UTR variant. On other transcripts: nonsense (2).
Genome position (GRCh38, 1-based): chr12:25,209,872, G>A on the plus strand (C>T on the coding strand, the complement: KRAS is on the minus strand). VCF-style: chr12-25209872-G-A. GRCh37 (hg19) VCF-style: chr12-25362806-G-A.
Other names: c.*44C>T (NM_001369786.1, LRG_344t2); c.490C>T, p.Arg164Ter (NM_001369787.1, NM_004985.5, LRG_344t1); short protein forms R164*.
Identifiers: ClinVar variation 547512 (VCV000547512.3), dbSNP rs1555192443, ClinGen allele CA384148460.

ClinVar aggregate classification (germline): Conflicting classifications of pathogenicity. Review status: criteria provided, conflicting classifications (1 of 4 stars). 2 submissions from 2 submitters: Uncertain significance (1); Likely benign (1). Last evaluated 2025-08-17.

Conditions:
Noonan syndrome 3 (NS3). Also called: KRAS-Related Noonan Syndrome. Identifiers: Orphanet 648, MedGen C1860991, MONDO:0012371, OMIM 609942.
RASopathy. Also called: Noonan spectrum disorder; rasopathies. Identifiers: Orphanet 536391, MedGen C5555857, MONDO:0021060.

Allele frequency attached by ClinVar (database versions not stated): gnomAD exomes below 0.00001.
gnomAD v4.1: 1 of 1,608,164 alleles (0.000062%); highest among the groups gnomAD compares: Non-Finnish European, 0.000085%; no homozygotes.

Submissions (2):

Labcorp Genetics (formerly Invitae), Labcorp
Classification: Uncertain significance for RASopathy. Last evaluated: 2025-08-17. Review status: criteria provided, single submitter. Criteria: Invitae Variant Classification Sherloc (09022015). Collection method: clinical testing. Allele origin: germline.
Comment: This sequence change creates a premature translational stop signal (p.Arg164*) in the KRAS gene. While this is not anticipated to result in nonsense mediated decay, it is expected to disrupt the last 25 amino acid(s) of the KRAS protein. This variant is not present in population databases (gnomAD no frequency). This variant has not been reported in the literature in individuals affected with KRAS-related conditions. ClinVar contains an entry for this variant (Variation ID: 547512). In summary, the available evidence is currently insufficient to determine the role of this variant in disease. Therefore, it has been classified as a Variant of Uncertain Significance.

Center for Human Genetics, Inc
Classification: Likely benign for Noonan syndrome 3. Last evaluated: 2016-11-01. Review status: criteria provided, single submitter. Criteria: ACMG Guidelines, 2015. Collection method: clinical testing. Allele origin: germline. Affected: yes.